The following is an entry in ClinVar:

NM_004655.4(AXIN2):c.229del (p.Arg77fs)

Gene: AXIN2 (axin 2; minus strand). Cytogenetic location: 17q24.1.
Variant type: Deletion.
Coding change: c.229del on transcript NM_004655.4 (MANE Select); coding-DNA position 229, one base deleted (C; older notation c.229delC).
Protein change: p.Arg77fs; shifts the reading frame from arginine 77.
Molecular consequence: frameshift variant.
Genome position (GRCh38, 1-based): chr17:65,558,392, G deleted on the plus strand (C on the coding strand, the reverse complement: AXIN2 is on the minus strand); the first of 3 consecutive G bases (chr17:65,558,392-65,558,394); deleting any one gives the same sequence. VCF-style (leftmost placement, unchanged base first): chr17-65558391-CG-C. GRCh37 (hg19) VCF-style: chr17-63554509-CG-C.
Other names: c.229del, p.Arg77fs (NM_001363813.1); short protein forms R77fs.
Identifiers: ClinVar variation 2759660 (VCV002759660.3), dbSNP rs2544253595, ClinGen allele CA2697555076.

ClinVar aggregate classification (germline): Pathogenic (1 of 4 stars; one submission).

Conditions:
Oligodontia-cancer predisposition syndrome. Also called: TOOTH AGENESIS-COLORECTAL CANCER SYNDROME. Identifiers: Orphanet 300576, MedGen C1837750, MONDO:0012075, OMIM 608615. Disease mechanism: loss of function.

Submission:

Labcorp Genetics (formerly Invitae), Labcorp
Classification: Pathogenic for Oligodontia-cancer predisposition syndrome. Last evaluated: 2023-09-10. Review status: criteria provided, single submitter. Criteria: Invitae Variant Classification Sherloc (09022015). Collection method: clinical testing. Allele origin: germline.
Comment: This sequence change creates a premature translational stop signal (p.Arg77Glyfs*32) in the AXIN2 gene. It is expected to result in an absent or disrupted protein product. Loss-of-function variants in AXIN2 are known to be pathogenic (PMID: 15042511, 21416598). This variant is not present in population databases (gnomAD no frequency). This variant has not been reported in the literature in individuals affected with AXIN2-related conditions. For these reasons, this variant has been classified as Pathogenic.

Literature cited by the submitters: PubMed 15042511; PubMed 21416598.